The following is an entry in ClinVar:

ClinVar aggregate classification (germline): Uncertain significance. Review status: criteria provided, multiple submitters, no conflicts (2 of 4 stars). 2 submissions from 2 submitters: Uncertain significance (2). Last evaluated 2021-12-01.

Conditions:
Hereditary cancer-predisposing syndrome. Also called: Hereditary neoplastic syndrome; Neoplastic Syndromes, Hereditary; Tumor predisposition; Hereditary Cancer Syndrome. Identifiers: Orphanet 140162, MedGen C0027672, MeSH D009386, MONDO:0015356.

Allele frequency attached by ClinVar (database versions not stated): TOPMed below 0.00001.

Submissions (2):

Ambry Genetics
Classification: Uncertain significance for Hereditary cancer-predisposing syndrome. Last evaluated: 2021-12-01. Review status: criteria provided, single submitter. Criteria: Ambry Variant Classification Scheme 2023. Collection method: clinical testing. Allele origin: germline.
Comment: The p.I590T variant (also known as c.1769T>C), located in coding exon 13 of the MSH3 gene, results from a T to C substitution at nucleotide position 1769. The isoleucine at codon 590 is replaced by threonine, an amino acid with similar properties. This amino acid position is conserved. In addition, this alteration is predicted to be deleterious by in silico analysis. Since supporting evidence is limited at this time, the clinical significance of this alteration remains unclear.

Labcorp Genetics (formerly Invitae), Labcorp
Classification: Uncertain significance. Last evaluated: 2021-07-22. Review status: criteria provided, single submitter. Criteria: Invitae Variant Classification Sherloc (09022015). Collection method: clinical testing. Allele origin: germline.
Comment: In summary, the available evidence is currently insufficient to determine the role of this variant in disease. Therefore, it has been classified as a Variant of Uncertain Significance. This sequence change replaces isoleucine with threonine at codon 590 of the MSH3 protein (p.Ile590Thr). The isoleucine residue is highly conserved and there is a moderate physicochemical difference between isoleucine and threonine. This variant is not present in population databases (ExAC no frequency). This variant has not been reported in the literature in individuals affected with MSH3-related conditions. Algorithms developed to predict the effect of missense changes on protein structure and function are either unavailable or do not agree on the potential impact of this missense change (SIFT: "Deleterious"; PolyPhen-2: "Probably Damaging"; Align-GVGD: "Class C0").

NM_002439.5(MSH3):c.1769T>C (p.Ile590Thr)

Gene: MSH3 (mutS homolog 3; plus strand). Cytogenetic location: 5q14.1.
Variant type: single nucleotide variant.
Coding change: c.1769T>C on transcript NM_002439.5 (MANE Select); coding-DNA position 1769, T replaced by C.
Protein change: p.Ile590Thr; replaces isoleucine 590 with threonine.
Molecular consequence: missense variant.
Genome position (GRCh38, 1-based): chr5:80,761,551, T>C. VCF-style: chr5-80761551-T-C. GRCh37 (hg19) VCF-style: chr5-80057370-T-C.
Other names: short protein forms I590T.
Identifiers: ClinVar variation 1507114 (VCV001507114.10), dbSNP rs1744033492, ClinGen allele CA360276479.
Genomic context (GRCh38, chr5:80,761,551, plus strand): 5'-TCTATATTCTGAATTCCTAACATATCTGATTATTGCTATTACTCTTTTCTCACAGGGAAA[T>C]AAATGCCCGGCTTGATGCTGTATCGGAAGTTCTCCATTCAGAATCTAGTGTGTTTGGTCA-3'
Protein context (NP_002430.3, residues 580-600): VTQPLLKLRE[Ile590Thr]NARLDAVSEV